The following is an entry in ClinVar:

ClinVar aggregate classification (germline): Conflicting classifications of pathogenicity. Review status: criteria provided, conflicting classifications (1 of 4 stars). 2 submissions from 2 submitters: Uncertain significance (1); Benign (1). Last evaluated 2026-04-14.

Conditions:
Familial thoracic aortic aneurysm and aortic dissection (TAAD). Also called: Thoracic aortic aneurysms and dissections. Identifiers: Orphanet 91387, MedGen C4707243, MONDO:0019625.
Ehlers-Danlos syndrome, classic type, 1 (EDSCL1). Also called: EHLERS-DANLOS SYNDROME, GRAVIS TYPE; EHLERS-DANLOS SYNDROME, SEVERE CLASSIC TYPE; Ehlers-Danlos syndrome, type 1; Ehlers-Danlos Syndrome, Classic Type, COL5A1-Related; EDS I. Identifiers: MedGen C0268335, MONDO:0019567, OMIM 130000.

gnomAD v4.1: 4 of 1,613,870 alleles (0.00025%); highest among the groups gnomAD compares: East Asian, 0.0089%; no homozygotes.

Submissions (2):

Ambry Genetics
Classification: Uncertain significance for Familial thoracic aortic aneurysm and aortic dissection. Last evaluated: 2026-04-14. Review status: criteria provided, single submitter. Criteria: Ambry Variant Classification Scheme 2023. Collection method: clinical testing. Allele origin: germline.
Comment: The p.D1771Y variant (also known as c.5311G>T), located in coding exon 65 of the COL5A1 gene, results from a G to T substitution at nucleotide position 5311. The aspartic acid at codon 1771 is replaced by tyrosine, an amino acid with highly dissimilar properties. This amino acid position is conserved. In addition, this alteration is predicted to be deleterious by in silico analysis. Based on the available evidence, the clinical significance of this variant remains unclear.

Labcorp Genetics (formerly Invitae), Labcorp
Classification: Benign for Ehlers-Danlos syndrome, classic type, 1. Last evaluated: 2024-06-19. Review status: criteria provided, single submitter. Criteria: Invitae Variant Classification Sherloc (09022015). Collection method: clinical testing. Allele origin: germline.

NM_000093.5(COL5A1):c.5311G>T (p.Asp1771Tyr)

Genes: COL5A1 (collagen type V alpha 1 chain; plus strand), LOC101448202 (uncharacterized LOC101448202; minus strand). Cytogenetic location: 9q34.3.
Variant type: single nucleotide variant.
Coding change: c.5311G>T on transcript NM_000093.5 (MANE Select); coding-DNA position 5311, G replaced by T.
Protein change: p.Asp1771Tyr; replaces aspartic acid 1771 with tyrosine.
Molecular consequence: missense variant.
Genome position (GRCh38, 1-based): chr9:134,835,145, G>T. VCF-style: chr9-134835145-G-T. GRCh37 (hg19) VCF-style: chr9-137726991-G-T.
Other names: c.5311G>T (NM_000093.3); c.5311G>T, p.Asp1771Tyr (NM_001278074.1); short protein forms D1771Y.
Identifiers: ClinVar variation 2794230 (VCV002794230.4), dbSNP rs1005244744, ClinGen allele CA375460820.
Genomic context (GRCh38, chr9:134,835,145, plus strand): 5'-GCCTGGCAGGACGCAGCCACGGGCAGCTACGACAAGGCCCTCCGCTTCCTGGGCTCCAAC[G>T]ACGAGGAGATGTCCTATGACAACAACCCCTACATCCGCGCCCTGGTGGACGGCTGTGCTG-3'
Protein context (NP_000084.3, residues 1761-1781): DKALRFLGSN[Asp1771Tyr]EEMSYDNNPY